The following is an entry in ClinVar:

NM_007315.4(STAT1):c.358C>G (p.Gln120Glu)

Gene: STAT1 (signal transducer and activator of transcription 1; minus strand). Cytogenetic location: 2q32.2.
Variant type: single nucleotide variant.
Coding change: c.358C>G on transcript NM_007315.4 (MANE Select); coding-DNA position 358, C replaced by G.
Protein change: p.Gln120Glu; replaces glutamine 120 with glutamic acid.
Molecular consequence: missense variant.
Genome position (GRCh38, 1-based): chr2:191,007,577, G>C on the plus strand (C>G on the coding strand, the complement: STAT1 is on the minus strand). VCF-style: chr2-191007577-G-C. GRCh37 (hg19) VCF-style: chr2-191872303-G-C.
Other names: c.358C>G, p.Gln120Glu (NM_001384880.1, NM_001384882.1, NM_001384883.1 and 7 more transcripts); c.364C>G, p.Gln122Glu (NM_001384881.1, NM_001384884.1); c.394C>G, p.Gln132Glu (NM_001384891.1); short protein forms Q120E, Q122E, Q132E.
Identifiers: ClinVar variation 847774 (VCV000847774.9), dbSNP rs1694803399, ClinGen allele CA349927219.

ClinVar aggregate classification (germline): Uncertain significance (1 of 4 stars; one submission).

Conditions:
Immunodeficiency 31B. Also called: STAT1 DEFICIENCY, AUTOSOMAL RECESSIVE; IMMUNODEFICIENCY 31B, MYCOBACTERIAL AND VIRAL INFECTIONS, AUTOSOMAL RECESSIVE. Identifiers: Orphanet 391311, MedGen C3151088, MONDO:0013427, OMIM 613796.
Autoimmune enteropathy and endocrinopathy - susceptibility to chronic infections syndrome. Also called: Immunodeficiency 31C, autosomal dominant; Immunodeficiency 31C. Identifiers: Orphanet 391487, MedGen C3279990, MONDO:0013599, OMIM 614162.
Mendelian susceptibility to mycobacterial diseases due to partial STAT1 deficiency. Also called: IMMUNODEFICIENCY 31A, MYCOBACTERIOSIS, AUTOSOMAL DOMINANT; STAT1 DEFICIENCY, AUTOSOMAL DOMINANT; Immunodeficiency 31a. Identifiers: Orphanet 319595, MedGen C4013950, MONDO:0013956, OMIM 614892.

Submission:

Labcorp Genetics (formerly Invitae), Labcorp
Classification: Uncertain significance for Mendelian susceptibility to mycobacterial diseases due to partial STAT1 deficiency; Immunodeficiency 31B; Autoimmune enteropathy and endocrinopathy - susceptibility to chronic infections syndrome. Last evaluated: 2019-12-04. Review status: criteria provided, single submitter. Criteria: Invitae Variant Classification Sherloc (09022015). Collection method: clinical testing. Allele origin: germline.
Comment: This variant has not been reported in the literature in individuals with STAT1-related conditions. In summary, the available evidence is currently insufficient to determine the role of this variant in disease. Therefore, it has been classified as a Variant of Uncertain Significance. Algorithms developed to predict the effect of missense changes on protein structure and function (SIFT, PolyPhen-2, Align-GVGD) all suggest that this variant is likely to be tolerated, but these predictions have not been confirmed by published functional studies and their clinical significance is uncertain. This variant is not present in population databases (ExAC no frequency). This sequence change replaces glutamine with glutamic acid at codon 120 of the STAT1 protein (p.Gln120Glu). The glutamine residue is moderately conserved and there is a small physicochemical difference between glutamine and glutamic acid.